The following is an entry in ClinVar:

NM_002076.4(GNS):c.1234G>A (p.Val412Ile)

Gene: GNS (glucosamine (N-acetyl)-6-sulfatase; minus strand). Cytogenetic location: 12q14.3.
Variant type: single nucleotide variant.
Coding change: c.1234G>A on transcript NM_002076.4 (MANE Select); coding-DNA position 1234, G replaced by A.
Protein change: p.Val412Ile; replaces valine 412 with isoleucine.
Molecular consequence: missense variant.
Genome position (GRCh38, 1-based): chr12:64,723,080, C>T on the plus strand (G>A on the coding strand, the complement: GNS is on the minus strand). VCF-style: chr12-64723080-C-T. GRCh37 (hg19) VCF-style: chr12-65116860-C-T.
Other names: short protein forms V412I.
Identifiers: ClinVar variation 2191313 (VCV002191313.3), dbSNP rs2136237916, ClinGen allele CA385603253.

ClinVar aggregate classification (germline): Uncertain significance (1 of 4 stars; one submission).

Conditions:
Mucopolysaccharidosis, MPS-III-D (MPS3D). Also called: N-ACETYLGLUCOSAMINE-6-SULFATASE DEFICIENCY; SANFILIPPO SYNDROME D; MPS III D; Mucopoly-saccharidosis type 3D; N-acetylglucosamine-6-sulfate sulfatase deficiency; MPS 3D. Identifiers: Orphanet 581, Orphanet 79272, MedGen C0086650, MONDO:0009658, OMIM 252940.

Allele frequency attached by ClinVar (database versions not stated): gnomAD exomes below 0.00001.
gnomAD v4.1: 2 of 1,612,060 alleles (0.00012%); highest among the groups gnomAD compares: South Asian, 0.0022%; no homozygotes.

Submission:

Labcorp Genetics (formerly Invitae), Labcorp
Classification: Uncertain significance for Mucopolysaccharidosis, MPS-III-D. Last evaluated: 2024-11-11. Review status: criteria provided, single submitter. Criteria: Invitae Variant Classification Sherloc (09022015). Collection method: clinical testing. Allele origin: germline.
Comment: This sequence change replaces valine, which is neutral and non-polar, with isoleucine, which is neutral and non-polar, at codon 412 of the GNS protein (p.Val412Ile). This variant is not present in population databases (gnomAD no frequency). This variant has not been reported in the literature in individuals affected with GNS-related conditions. ClinVar contains an entry for this variant (Variation ID: 2191313). Invitae Evidence Modeling of protein sequence and biophysical properties (such as structural, functional, and spatial information, amino acid conservation, physicochemical variation, residue mobility, and thermodynamic stability) indicates that this missense variant is not expected to disrupt GNS protein function with a negative predictive value of 80%. In summary, the available evidence is currently insufficient to determine the role of this variant in disease. Therefore, it has been classified as a Variant of Uncertain Significance.